The following is an entry in ClinVar:

NM_001102594.3(DTX2):c.426C>T (p.Leu142=)

Gene: DTX2 (deltex E3 ubiquitin ligase 2; plus strand). Cytogenetic location: 7q11.23.
Variant type: single nucleotide variant.
Coding change: c.426C>T on transcript NM_001102594.3 (MANE Select); coding-DNA position 426, C replaced by T.
Protein change: p.Leu142=; no amino-acid change (leucine 142 retained).
Molecular consequence: synonymous variant.
Genome position (GRCh38, 1-based): chr7:76,482,665, C>T. VCF-style: chr7-76482665-C-T. GRCh37 (hg19) VCF-style: chr7-76111982-C-T.
Other names: c.426C>T, p.Leu142= (NM_001102595.3, NM_001102596.2, NM_020892.4).
Identifiers: ClinVar variation 2673110 (VCV002673110.23), dbSNP rs777415062, ClinGen allele CA4307850.

ClinVar aggregate classification (germline): Likely benign (1 of 4 stars; one submission).

Allele frequency attached by ClinVar (database versions not stated): ExAC 0.00002.
gnomAD v4.1: 25 of 1,613,340 alleles (0.0015%); highest among the groups gnomAD compares: African/African-American, 0.013%; no homozygotes.

Submission:

CeGaT Center for Human Genetics Tuebingen
Classification: Likely benign. Last evaluated: 2023-11-01. Review status: criteria provided, single submitter. Criteria: CeGaT Center For Human Genetics Tuebingen Variant Classification Criteria Version 2. Collection method: clinical testing. Allele origin: germline. Affected: yes. Observed: 1 variant allele.
Comment: DTX2: BP4, BP7